The following is an entry in ClinVar:

ClinVar aggregate classification (germline): Likely benign. Review status: criteria provided, multiple submitters, no conflicts (2 of 4 stars). 2 submissions from 2 submitters: Likely benign (2). Last evaluated 2025-02-10.

Conditions:
EIF2B5-related disorder. Also called: EIF2B5-related condition.

gnomAD v4.1: 1 of 1,614,112 alleles (0.000062%); no homozygotes.

Submissions (2):

PreventionGenetics, part of Exact Sciences
Classification: Likely benign for EIF2B5-related condition. Last evaluated: 2025-02-10. Review status: criteria provided, single submitter. Criteria: ACMG Guidelines, 2015. Collection method: clinical testing. Allele origin: germline.
Comment: This variant is classified as likely benign based on ACMG/AMP sequence variant interpretation guidelines (Richards et al. 2015 PMID: 25741868, with internal and published modifications).

Labcorp Genetics (formerly Invitae), Labcorp
Classification: Likely benign. Last evaluated: 2022-06-29. Review status: criteria provided, single submitter. Criteria: Invitae Variant Classification Sherloc (09022015). Collection method: clinical testing. Allele origin: germline.

NM_003907.3(EIF2B5):c.2067T>C (p.Asp689=)

Gene: EIF2B5 (eukaryotic translation initiation factor 2B subunit epsilon; plus strand). Cytogenetic location: 3q27.1.
Variant type: single nucleotide variant.
Coding change: c.2067T>C on transcript NM_003907.3 (MANE Select); coding-DNA position 2067, T replaced by C.
Protein change: p.Asp689=; no amino-acid change (aspartic acid 689 retained).
Molecular consequence: synonymous variant.
Genome position (GRCh38, 1-based): chr3:184,144,668, T>C. VCF-style: chr3-184144668-T-C. GRCh37 (hg19) VCF-style: chr3-183862456-T-C.
Other names: c.2067T>C (NM_003907.2).
Identifiers: ClinVar variation 2418417 (VCV002418417.8), dbSNP rs2473673906, ClinGen allele CA437150147.
Genomic context (GRCh38, chr3:184,144,668, plus strand): 5'-TTTCTACCAGCTGGAGATCCTGGCTGAGGAAACAATTCTGAGCTGGTTCAGCCAAAGAGA[T>C]ACAACTGACAAGGGCCAGCAGTTGCGCAAGAATCAACAGGTGCGTCAGGCTGTCCTCCTC-3'
Protein context (NP_003898.2, residues 679-699): ETILSWFSQR[Asp689=]TTDKGQQLRK